The following is an entry in ClinVar:

ClinVar aggregate classification (germline): Uncertain significance (3 of 4 stars; one submission).

Conditions:
Monogenic diabetes. Identifiers: Orphanet 183625, MedGen C3888631, MONDO:0015967.

Submission:

ClinGen Monogenic Diabetes Variant Curation Expert Panel
Classification: Uncertain significance for Monogenic diabetes. Last evaluated: 2025-09-02. Review status: reviewed by expert panel. Criteria: ClinGen Diabetes ACMG Specifications HNF1A V3.0.0. Collection method: curation. Allele origin: germline. Inheritance: Autosomal dominant inheritance.
Comment: The c.397G>T variant in the HNF1 homeobox A gene, HNF1A, causes an amino acid change of valine to leucine at codon 133 (p.(Val133Leu)) of NM_000545.8. This variant is located within a conserved region of the DNA binding domain (codons 107-174 and 201-280) of HNF1A, which is defined as critical for the protein’s function by the ClinGen MDEP (PM1_Supporting). This variant is also predicted to be deleterious by computational evidence, with a REVEL score of 0.947, which is greater than the MDEP VCEP threshold of 0.70 (PP3). This variant is absent in gnomAD v4.1.0 (PM2_Supporting), and was identified in an individual with a clinical history highly specific for HNF1A-MODY (MODY probability calculator result >50%, negative genetic testing for HNF4A) (PP4; internal lab contributors). This variant segregated with diabetes with two informative meioses in a single family; however, this does not meet the thresholds for PP1 set by the ClinGen MDEP (PMID: 27236918, internal lab contributors). Another missense variant, c.397G>A (p.Val133Met), has been classified as likely pathogenic by the ClinGen MDEP (PM5_Supporting). In summary, c.397G>T meets the criteria to be classified as a variant of uncertain significance for monogenic diabetes. ACMG/AMP criteria applied, as specified by the ClinGen MDEP (specification version 3.0.0, approved 6/30/2025): PP3, PP4, PM1_Supporting, PM2_Supporting, PM5_Supporting.

NM_000545.8(HNF1A):c.397G>T (p.Val133Leu)

Gene: HNF1A (HNF1 homeobox A; plus strand). Cytogenetic location: 12q24.31.
Variant type: single nucleotide variant.
Coding change: c.397G>T on transcript NM_000545.8 (MANE Select); coding-DNA position 397, G replaced by T.
Protein change: p.Val133Leu; replaces valine 133 with leucine.
Molecular consequence: missense variant.
Genome position (GRCh38, 1-based): chr12:120,988,903, G>T. VCF-style: chr12-120988903-G-T. GRCh37 (hg19) VCF-style: chr12-121426706-G-T.
Other names: NM_001306179.2:c.397G>T; c.397G>T, p.Val133Leu (NM_001306179.2); short protein forms V133L.
Identifiers: ClinVar variation 1693219 (VCV001693219.2), dbSNP rs2135832611, ClinGen allele CA386959510.